The following is an entry in ClinVar:

ClinVar aggregate classification (germline): Benign/Likely benign. Review status: criteria provided, multiple submitters, no conflicts (2 of 4 stars). 3 submissions from 3 submitters: Benign (1); Likely benign (2). Last evaluated 2025-05-14.

Conditions:
Hereditary cancer-predisposing syndrome. Also called: Hereditary neoplastic syndrome; Neoplastic Syndromes, Hereditary; Tumor predisposition; Hereditary Cancer Syndrome. Identifiers: Orphanet 140162, MedGen C0027672, MeSH D009386, MONDO:0015356.
Tuberous sclerosis 2 (TSC2). Identifiers: Orphanet 805, MedGen C1860707, MONDO:0013199, OMIM 613254.

Allele frequency attached by ClinVar (database versions not stated): gnomAD exomes below 0.00001; TOPMed below 0.00001; gnomAD 0.00001.

Submissions (3):

Myriad Genetics, Inc.
Classification: Benign for Tuberous sclerosis 2. Last evaluated: 2025-05-14. Review status: criteria provided, single submitter. Criteria: Myriad Autosomal Dominant, Autosomal Recessive and X-Linked Classification Criteria (2023). Collection method: clinical testing. Allele origin: unknown.
Comment: This variant is considered benign. This variant is a silent/synonymous amino acid change and it is not expected to impact splicing.

Labcorp Genetics (formerly Invitae), Labcorp
Classification: Likely benign for Tuberous sclerosis 2. Last evaluated: 2022-12-30. Review status: criteria provided, single submitter. Criteria: Invitae Variant Classification Sherloc (09022015). Collection method: clinical testing. Allele origin: germline.

Ambry Genetics
Classification: Likely benign for Hereditary cancer-predisposing syndrome. Last evaluated: 2020-05-27. Review status: criteria provided, single submitter. Criteria: Ambry Variant Classification Scheme 2023. Collection method: clinical testing. Allele origin: germline.

NM_000548.5(TSC2):c.1554C>A (p.Gly518=)

Gene: TSC2 (TSC complex subunit 2; plus strand). Cytogenetic location: 16p13.3.
Variant type: single nucleotide variant.
Coding change: c.1554C>A on transcript NM_000548.5 (MANE Select); coding-DNA position 1554, C replaced by A.
Protein change: p.Gly518=; no amino-acid change (glycine 518 retained).
Molecular consequence: synonymous variant.
Genome position (GRCh38, 1-based): chr16:2,064,382, C>A. VCF-style: chr16-2064382-C-A. GRCh37 (hg19) VCF-style: chr16-2114383-C-A.
Other names: c.1554C>A, p.Gly518= (NM_001077183.3, NM_001114382.3, NM_001363528.2 and 3 more transcripts); c.1443C>A, p.Gly481= (NM_001318827.2); c.1407C>A, p.Gly469= (NM_001318829.2); c.954C>A, p.Gly318= (NM_001318831.2); c.1587C>A, p.Gly529= (NM_001318832.2).
Identifiers: ClinVar variation 726632 (VCV000726632.13), dbSNP rs1274545629, ClinGen allele CA492963054.
Genomic context (GRCh38, chr16:2,064,382, plus strand): 5'-GGATAAAGACCACCAGGTCCGAAAGCTGGCCACCCAGTTGCTGGTGGACCTGGCAGAGGG[C>A]TGCCACACACACCACTTCAACAGCCTGCTGGACATCATCGAGAAGGTGAGAGCCGTTGTA-3'
Protein context (NP_000539.2, residues 508-528): ATQLLVDLAE[Gly518=]CHTHHFNSLL